The following is an entry in ClinVar:

ClinVar aggregate classification (germline): Uncertain significance (1 of 4 stars; one submission).

Submission:

GeneDx
Classification: Uncertain significance. Last evaluated: 2024-01-30. Review status: criteria provided, single submitter. Criteria: GeneDx Variant Classification Process June 2021. Collection method: clinical testing. Allele origin: germline. Affected: yes.
Comment: Not observed at significant frequency in large population cohorts (gnomAD); In silico analysis supports that this missense variant does not alter protein structure/function; Has not been previously published as pathogenic or benign to our knowledge

NM_001958.5(EEF1A2):c.701C>G (p.Thr234Ser)

Gene: EEF1A2 (eukaryotic translation elongation factor 1 alpha 2; minus strand). Cytogenetic location: 20q13.33.
Variant type: single nucleotide variant.
Coding change: c.701C>G on transcript NM_001958.5 (MANE Select); coding-DNA position 701, C replaced by G.
Protein change: p.Thr234Ser; replaces threonine 234 with serine.
Molecular consequence: missense variant.
Genome position (GRCh38, 1-based): chr20:63,493,208, G>C on the plus strand (C>G on the coding strand, the complement: EEF1A2 is on the minus strand). VCF-style: chr20-63493208-G-C. GRCh37 (hg19) VCF-style: chr20-62124561-G-C.
Other names: short protein forms T234S.
Identifiers: ClinVar variation 3368481 (VCV003368481.1).